The following is an entry in ClinVar:

NM_000256.3(MYBPC3):c.1029_1032del (p.Asp344fs)

Gene: MYBPC3 (myosin binding protein C3; minus strand). Cytogenetic location: 11p11.2.
Variant type: Deletion.
Coding change: c.1029_1032del on transcript NM_000256.3 (MANE Select); coding-DNA positions 1029 to 1032, 4 bases deleted (TGAC; older notation c.1029_1032delTGAC).
Protein change: p.Asp344fs; shifts the reading frame from aspartic acid 344.
Molecular consequence: frameshift variant.
Genome position (GRCh38, 1-based): chr11:47,346,265-47,346,268, GTCA deleted on the plus strand (TGAC on the coding strand, the reverse complement: MYBPC3 is on the minus strand); deleting any 4 consecutive bases within chr11:47,346,265-47,346,270 gives the same sequence; the c. name uses the placement nearest the transcript's 3' end. VCF-style (leftmost placement, unchanged base first): chr11-47346264-GGTCA-G. GRCh37 (hg19) VCF-style: chr11-47367815-GGTCA-G.
Other names: c.1029_1032delTGAC (NM_000256.3); short protein forms D344fs.
Identifiers: ClinVar variation 817876 (VCV000817876.1), dbSNP rs1595847753, ClinGen allele CA915948162.

ClinVar aggregate classification (germline): Likely pathogenic (1 of 4 stars; one submission).

Submission:

GeneDx
Classification: Likely pathogenic. Last evaluated: 2018-10-23. Review status: criteria provided, single submitter. Criteria: GeneDx Variant Classification (06012015). Collection method: clinical testing. Allele origin: germline. Affected: yes.
Comment: Although the c.1029_1032delTGAC variant in the MYBPC3 gene has not been published as pathogenic or reported as benign to our knowledge, this variant causes a shift in reading frame starting at codon aspartic acid 344, changing it to a cysteine, and creating a premature stop codon at position 5 of the new reading frame, denoted p.Asp344CysfsX5. This variant is predicted to cause loss of normal protein function either by protein truncation or nonsense-mediated mRNA decay. Other frameshift variants in the MYBPC3 gene have been reported in Human Gene Mutation Database in association with cardiomyopathy (Stenson et al., 2014), indicating that loss of function is a mechanism of disease for this gene. Furthermore, the c.1029_1032delTGAC variant has not been observed in large population cohorts (Lek et al., 2016). Nevertheless, c.1029_1032delTGAC lacks observation in a significant number of affected individuals, segregation data, and functional evidence, which would further support its pathogenicity.